The following is an entry in ClinVar:

ClinVar aggregate classification (germline): Uncertain significance (1 of 4 stars; one submission).

Submission:

Labcorp Genetics (formerly Invitae), Labcorp
Classification: Uncertain significance. Last evaluated: 2023-10-05. Review status: criteria provided, single submitter. Criteria: Invitae Variant Classification Sherloc (09022015). Collection method: clinical testing. Allele origin: germline.
Comment: This sequence change replaces aspartic acid, which is acidic and polar, with glutamic acid, which is acidic and polar, at codon 17 of the CLCN7 protein (p.Asp17Glu). This variant is not present in population databases (gnomAD no frequency). This variant has not been reported in the literature in individuals affected with CLCN7-related conditions. Advanced modeling of protein sequence and biophysical properties (such as structural, functional, and spatial information, amino acid conservation, physicochemical variation, residue mobility, and thermodynamic stability) performed at Invitae indicates that this missense variant is not expected to disrupt CLCN7 protein function. In summary, the available evidence is currently insufficient to determine the role of this variant in disease. Therefore, it has been classified as a Variant of Uncertain Significance.

NM_001287.6(CLCN7):c.51C>A (p.Asp17Glu)

Genes: CLCN7 (chloride voltage-gated channel 7; minus strand), LOC130058166 (ATAC-STARR-seq lymphoblastoid silent region 6986; plus strand). Cytogenetic location: 16p13.3.
Variant type: single nucleotide variant.
Coding change: c.51C>A on transcript NM_001287.6 (MANE Select); coding-DNA position 51, C replaced by A.
Protein change: p.Asp17Glu; replaces aspartic acid 17 with glutamic acid.
Molecular consequence: missense variant.
Genome position (GRCh38, 1-based): chr16:1,474,924, G>T on the plus strand (C>A on the coding strand, the complement: CLCN7 is on the minus strand). VCF-style: chr16-1474924-G-T. GRCh37 (hg19) VCF-style: chr16-1524925-G-T.
Other names: c.51C>A, p.Asp17Glu (NM_001114331.3); short protein forms D17E.
Identifiers: ClinVar variation 2765864 (VCV002765864.3), dbSNP rs2505869805, ClinGen allele CA394194172.